The following is an entry in ClinVar:

NM_000091.5(COL4A3):c.3943C>T (p.Pro1315Ser)

Genes: MFF-DT (MFF divergent transcript; minus strand), COL4A3 (collagen type IV alpha 3 chain; plus strand). Cytogenetic location: 2q36.3.
Variant type: single nucleotide variant.
Coding change: c.3943C>T on transcript NM_000091.5 (MANE Select); coding-DNA position 3943, C replaced by T.
Protein change: p.Pro1315Ser; replaces proline 1315 with serine.
Molecular consequence: missense variant.
Genome position (GRCh38, 1-based): chr2:227,303,098, C>T. VCF-style: chr2-227303098-C-T. GRCh37 (hg19) VCF-style: chr2-228167814-C-T.
Other names: ATS3A; short protein forms P1315S.
Identifiers: ClinVar variation 3393392 (VCV003393392.1).

ClinVar aggregate classification (germline): Uncertain significance (1 of 4 stars; one submission).

Conditions:
Autosomal dominant Alport syndrome (ATS3A). Also called: Alport syndrome dominant type; Renal failure and sensorineural hearing loss; ALPORT SYNDROME 3A, AUTOSOMAL DOMINANT. Identifiers: Orphanet 63, Orphanet 88918, MedGen C5882663, MONDO:0007086, OMIM 104200.

gnomAD v4.1: 21 of 1,613,720 alleles (0.0013%); highest among the groups gnomAD compares: Non-Finnish European, 0.0016%; no homozygotes.

Submission:

Laboratory of Prof. Karen Avraham, Tel Aviv University
Classification: Uncertain significance for Autosomal dominant Alport syndrome. Last evaluated: 2024-12-25. Review status: criteria provided, single submitter. Criteria: ACMG Guidelines, 2015. Collection method: research. Allele origin: germline. Affected: yes. Observed: 1 variant allele.
Comment: The COL4A3 c.3943C>T:p.(Pro1315Ser) heterozygous variant is extremely rare and predicted deleterious.